The following is an entry in ClinVar:

ClinVar aggregate classification (germline): Uncertain significance (1 of 4 stars; one submission).

Submission:

GeneDx
Classification: Uncertain significance. Last evaluated: 2025-09-10. Review status: criteria provided, single submitter. Criteria: GeneDx Variant Classification Process June 2021. Collection method: clinical testing. Allele origin: germline.
Comment: Not observed at significant frequency in large population cohorts (gnomAD); In silico analysis supports that this missense variant has a deleterious effect on protein structure/function; Has not been previously published as pathogenic or benign to our knowledge

NM_012247.5(SEPHS1):c.989G>A (p.Arg330His)

Gene: SEPHS1 (selenophosphate synthetase 1; minus strand). Cytogenetic location: 10p13.
Variant type: single nucleotide variant.
Coding change: c.989G>A on transcript NM_012247.5 (MANE Select); coding-DNA position 989, G replaced by A.
Protein change: p.Arg330His; replaces arginine 330 with histidine.
Molecular consequence: missense variant. On other transcripts: non-coding transcript variant (1).
Genome position (GRCh38, 1-based): chr10:13,319,332, C>T on the plus strand (G>A on the coding strand, the complement: SEPHS1 is on the minus strand). VCF-style: chr10-13319332-C-T. GRCh37 (hg19) VCF-style: chr10-13361332-C-T.
Other names: c.788G>A, p.Arg263His (NM_001195602.2); c.776G>A, p.Arg259His (NM_001195604.2); c.983G>A, p.Arg328His (NM_001375769.1); short protein forms R259H, R263H, R328H, R330H.
Identifiers: ClinVar variation 3343905 (VCV003343905.2).
Genomic context (GRCh38, chr10:13,319,332, plus strand): 5'-TGGTGGCCTTCACCATATTTGGGGGACTTTATCTCTGCACAGAACCGAGCTGCTTGCTCA[C>T]GTGGTAAACAGATCAGAAGGCCGCCTGGCAAAAGAAAACAAGAATGACTGTTAGTGTTGA-3'
Protein context (NP_036379.2, residues 320-340): TSGGLLICLP[Arg330His]EQAARFCAEI